The following is an entry in ClinVar:

ClinVar aggregate classification (germline): Uncertain significance. Review status: criteria provided, single submitter (1 of 4 stars). 2 submissions from 2 submitters: Uncertain significance (1). 1 of the submissions does not count toward it. Last evaluated 2025-08-26.

Conditions:
Hereditary angioedema type 1 (HAE1). Identifiers: Orphanet 100050, Orphanet 100051, Orphanet 91378, MedGen C2717906, MONDO:0015053, OMIM 106100.

Allele frequency attached by ClinVar (database versions not stated): gnomAD 0.00001; TOPMed 0.00001; gnomAD exomes 0.00005; ExAC 0.00007; ESP Exome Variant Server 0.00008.

Submissions (2):

Labcorp Genetics (formerly Invitae), Labcorp
Classification: Uncertain significance. Last evaluated: 2025-08-26. Review status: criteria provided, single submitter. Criteria: Invitae Variant Classification Sherloc (09022015). Collection method: clinical testing. Allele origin: germline.
Comment: This sequence change replaces arginine, which is basic and polar, with cysteine, which is neutral and slightly polar, at codon 400 of the SERPING1 protein (p.Arg400Cys). This variant is present in population databases (rs201363394, gnomAD 0.007%). This missense change has been observed in individual(s) with hereditary angioedema (PMID: 18586324, 18758157, 20864152, 29343682). This variant is also known as p.Arg378Cys. ClinVar contains an entry for this variant (Variation ID: 487525). Invitae Evidence Modeling of protein sequence and biophysical properties (such as structural, functional, and spatial information, amino acid conservation, physicochemical variation, residue mobility, and thermodynamic stability) has been performed for this missense variant. However, the output from this modeling did not meet the statistical confidence thresholds required to predict the impact of this variant on SERPING1 protein function. Experimental studies have shown that this missense change affects SERPING1 function (PMID: 20864152, 29343682). In summary, the available evidence is currently insufficient to determine the role of this variant in disease. Therefore, it has been classified as a Variant of Uncertain Significance.

OMIM
Classification: Pathogenic for ANGIOEDEMA, HEREDITARY, 1, AUTOSOMAL RECESSIVE. Last evaluated: 2021-06-09. Review status: no assertion criteria provided. Collection method: literature only. Allele origin: germline. Not counted in ClinVar's aggregate classification.

Literature cited by the submitters: PubMed 18586324 (cited by Labcorp Genetics (formerly Invitae), Labcorp); PubMed 18758157 (cited by Labcorp Genetics (formerly Invitae), Labcorp); PubMed 20864152 (cited by Labcorp Genetics (formerly Invitae), Labcorp and OMIM); PubMed 29343682 (cited by Labcorp Genetics (formerly Invitae), Labcorp).

NM_000062.3(SERPING1):c.1198C>T (p.Arg400Cys)

Gene: SERPING1 (serpin family G member 1; plus strand). Cytogenetic location: 11q12.1.
Variant type: single nucleotide variant.
Coding change: c.1198C>T on transcript NM_000062.3 (MANE Select); coding-DNA position 1198, C replaced by T.
Protein change: p.Arg400Cys; replaces arginine 400 with cysteine.
Molecular consequence: missense variant.
Genome position (GRCh38, 1-based): chr11:57,611,885, C>T. VCF-style: chr11-57611885-C-T. GRCh37 (hg19) VCF-style: chr11-57379358-C-T.
Other names: R378C; c.1198C>T, p.Arg400Cys (NM_001032295.2); short protein forms R400C.
Identifiers: ClinVar variation 487525 (VCV000487525.11), dbSNP rs201363394, ClinGen allele CA6008239.
Genomic context (GRCh38, chr11:57,611,885, plus strand): 5'-AAGGCCATCATGGAGAAACTGGAGATGTCCAAGTTCCAGCCCACTCTCCTAACACTACCC[C>T]GCATCAAAGTGACGACCAGCCAGGATATGCTCTCAATCATGGAGAAATTGGGTGAGCTCT-3'
Protein context (NP_000053.2, residues 390-410): KFQPTLLTLP[Arg400Cys]IKVTTSQDML